The following is an entry in ClinVar:

NM_001365068.1(ASTN2):c.475G>A (p.Val159Met)

Gene: ASTN2 (astrotactin 2; minus strand). Cytogenetic location: 9q33.1.
Variant type: single nucleotide variant.
Coding change: c.475G>A on transcript NM_001365068.1 (MANE Select); coding-DNA position 475, G replaced by A.
Protein change: p.Val159Met; replaces valine 159 with methionine.
Molecular consequence: missense variant.
Genome position (GRCh38, 1-based): chr9:117,291,481, C>T on the plus strand (G>A on the coding strand, the complement: ASTN2 is on the minus strand). VCF-style: chr9-117291481-C-T. GRCh37 (hg19) VCF-style: chr9-120053760-C-T.
Other names: c.475G>A, p.Val159Met (NM_001365069.1, NM_014010.5); short protein forms V159M.
Identifiers: ClinVar variation 2631030 (VCV002631030.2), dbSNP rs766629321, ClinGen allele CA374695655.

ClinVar aggregate classification (germline): Uncertain significance (1 of 4 stars; one submission).

Conditions:
ASTN2-related disorder. Also called: ASTN2-related condition.

Submission:

PreventionGenetics, part of Exact Sciences
Classification: Uncertain significance for ASTN2-related condition. Last evaluated: 2025-05-27. Review status: criteria provided, single submitter. Criteria: ACMG Guidelines, 2015. Collection method: clinical testing. Allele origin: germline.
Comment: The ASTN2 c.475G>A variant is predicted to result in the amino acid substitution p.Val159Met. To our knowledge, this variant has not been reported in the literature or in a large population database (gnomAD), indicating it is rare. At this time, the clinical significance of this variant is uncertain due to the absence of conclusive functional and genetic evidence.